The following is an entry in ClinVar:

ClinVar aggregate classification (germline): Benign/Likely benign. Review status: criteria provided, multiple submitters, no conflicts (2 of 4 stars). 4 submissions from 4 submitters: Benign (1); Likely benign (3). Last evaluated 2025-11-27.

Allele frequency attached by ClinVar (database versions not stated): 1000 Genomes Project 0.00060; ESP Exome Variant Server 0.00062; TOPMed 0.00075; gnomAD 0.00076 and 0.00079; 1000 Genomes Project 30x 0.00078; ExAC 0.00079.
gnomAD v4.1: 1,337 of 1,527,376 alleles (0.088%); highest among the groups gnomAD compares: Middle Eastern, 0.86%; 4 homozygotes.

Submissions (4):

Labcorp Genetics (formerly Invitae), Labcorp
Classification: Benign. Last evaluated: 2025-11-27. Review status: criteria provided, single submitter. Criteria: Invitae Variant Classification Sherloc (09022015). Collection method: clinical testing. Allele origin: germline.

Blueprint Genetics
Classification: Likely benign. Last evaluated: 2024-11-04. Review status: criteria provided, single submitter. Criteria: ACMG Guidelines, 2015. Collection method: clinical testing. Allele origin: germline.

GeneDx
Classification: Likely benign. Last evaluated: 2018-01-29. Review status: criteria provided, single submitter. Criteria: GeneDx Variant Classification (06012015). Collection method: clinical testing. Allele origin: germline. Affected: yes.
Comment: This variant is considered likely benign or benign based on one or more of the following criteria: it is a conservative change, it occurs at a poorly conserved position in the protein, it is predicted to be benign by multiple in silico algorithms, and/or has population frequency not consistent with disease.

Breakthrough Genomics
Classification: Likely benign. Review status: criteria provided, single submitter. Criteria: ACMG Guidelines, 2015. Collection method: not provided. Allele origin: germline. Inheritance: Autosomal recessive inheritance. Affected: yes.

NM_002887.4(RARS1):c.822+15C>T

Gene: RARS1 (arginyl-tRNA synthetase 1; plus strand). Cytogenetic location: 5q34.
Variant type: single nucleotide variant.
Coding change: c.822+15C>T on transcript NM_002887.4 (MANE Select); 15 bases into the intron after coding-DNA position 822, C replaced by T.
Molecular consequence: intron variant.
Genome position (GRCh38, 1-based): chr5:168,497,363, C>T. VCF-style: chr5-168497363-C-T. GRCh37 (hg19) VCF-style: chr5-167924368-C-T.
Identifiers: ClinVar variation 516737 (VCV000516737.11), dbSNP rs201233733, ClinGen allele CA3549727.